The following is an entry in ClinVar:

NM_000089.4(COL1A2):c.964G>T (p.Gly322Cys)

Gene: COL1A2 (collagen type I alpha 2 chain; plus strand). Cytogenetic location: 7q21.3.
Variant type: single nucleotide variant.
Coding change: c.964G>T on transcript NM_000089.4 (MANE Select); coding-DNA position 964, G replaced by T.
Protein change: p.Gly322Cys; replaces glycine 322 with cysteine.
Molecular consequence: missense variant.
Genome position (GRCh38, 1-based): chr7:94,409,750, G>T. VCF-style: chr7-94409750-G-T. GRCh37 (hg19) VCF-style: chr7-94039062-G-T.
Other names: short protein forms G322C.
Identifiers: ClinVar variation 4881153 (VCV004881153.2).
Genomic context (GRCh38, chr7:94,409,750, plus strand): 5'-CCCTAATGGACCACACTGCATTTTCCTTCACAGGGCCTTCCCGGCGTTGCTGGGGCTCCC[G>T]GCCTCCCTGGACCCCGCGGTATTCCTGGCCCTGTTGGTGCTGCCGGTGCTACTGGTGCCA-3'
Protein context (NP_000080.2, residues 312-332): AGLPGVAGAP[Gly322Cys]LPGPRGIPGP

ClinVar aggregate classification (germline): Likely pathogenic (1 of 4 stars; one submission).

Submission:

Dasa
Classification: Likely pathogenic. Last evaluated: 2025-10-22. Review status: criteria provided, single submitter. Criteria: DASA Assertion Criteria. Collection method: clinical testing. Allele origin: germline.
Comment: NM_000089.4(COL1A2):c.964G>T (p.Gly322Cys) is a missense variant that results in the substitution of glycine with cysteine. The affected residue or protein region has prior evidence supporting clinical relevance. This variant is absent from population databases. Computational evidence supports a deleterious effect. Based on the currently available evidence, this variant is classified as likely pathogenic.